The following is an entry in ClinVar:

NM_000548.5(TSC2):c.3284+1G>A

Gene: TSC2 (TSC complex subunit 2; plus strand). Cytogenetic location: 16p13.3.
Variant type: single nucleotide variant.
Coding change: c.3284+1G>A on transcript NM_000548.5 (MANE Select); the canonical splice donor site of the intron after coding-DNA position 3284, G replaced by A.
Molecular consequence: splice donor variant.
Genome position (GRCh38, 1-based): chr16:2,079,429, G>A. VCF-style: chr16-2079429-G-A. GRCh37 (hg19) VCF-style: chr16-2129430-G-A.
Other names: c.1808+1G>A (NM_001406695.1, NM_001406696.1, NM_001406691.1 and 1 more transcripts); c.3143+1G>A (NM_001406671.1); c.3140+1G>A (NM_001406673.1); c.2693+1G>A (NM_001406681.1); c.3173+1G>A (NM_001406670.1); c.3044+1G>A (NM_001318827.2); c.3041+1G>A (NM_001406678.1); c.2684+1G>A (NM_001406682.1, NM_001406680.1, NM_001406683.1); and 18 more.
Identifiers: ClinVar variation 50057 (VCV000050057.21), dbSNP rs45517289, ClinGen allele CA018811.

ClinVar aggregate classification (germline): Pathogenic/Likely pathogenic. Review status: criteria provided, multiple submitters, no conflicts (2 of 4 stars). 6 submissions from 6 submitters: Pathogenic (3); Likely pathogenic (2). 1 of the submissions does not count toward it. Last evaluated 2026-01-26.

Conditions:
Tuberous sclerosis syndrome (TSC). Also called: Tuberous Sclerosis Complex; Tuberous sclerosis. Identifiers: Orphanet 805, MedGen C0041341, MONDO:0001734.
Tuberous sclerosis 2 (TSC2). Identifiers: Orphanet 805, MedGen C1860707, MONDO:0013199, OMIM 613254.

Submissions (6):

Medical and Scientific Branch, Hong Kong Genome Institute
Classification: Likely pathogenic for Tuberous sclerosis 2. Last evaluated: 2026-01-26. Review status: criteria provided, single submitter. Criteria: ACMG Guidelines, 2015. Collection method: clinical testing. Allele origin: unknown. Affected: yes.

Labcorp Genetics (formerly Invitae), Labcorp
Classification: Pathogenic for Tuberous sclerosis 2. Last evaluated: 2023-12-01. Review status: criteria provided, single submitter. Criteria: Invitae Variant Classification Sherloc (09022015). Collection method: clinical testing. Allele origin: germline.
Comment: This sequence change affects a donor splice site in intron 28 of the TSC2 gene. It is expected to disrupt RNA splicing. Variants that disrupt the donor or acceptor splice site typically lead to a loss of protein function (PMID: 16199547), and loss-of-function variants in TSC2 are known to be pathogenic (PMID: 10205261, 17304050). This variant is not present in population databases (gnomAD no frequency). Disruption of this splice site has been observed in individuals with tuberous sclerosis complex (PMID: 21811971, 22490766, 32461669). ClinVar contains an entry for this variant (Variation ID: 50057). Algorithms developed to predict the effect of sequence changes on RNA splicing suggest that this variant may disrupt the consensus splice site. For these reasons, this variant has been classified as Pathogenic.

Genome-Nilou Lab
Classification: Likely pathogenic for Tuberous sclerosis 2. Last evaluated: 2021-11-07. Review status: criteria provided, single submitter. Criteria: ACMG Guidelines, 2015. Collection method: clinical testing. Allele origin: germline. Affected: no.

ARUP Laboratories, Molecular Genetics and Genomics, ARUP Laboratories
Classification: Pathogenic. Last evaluated: 2021-09-13. Review status: criteria provided, single submitter. Criteria: ARUP Molecular Germline Variant Investigation Process 2021. Collection method: clinical testing. Allele origin: germline.
Comment: The TSC2 c.3284+1G>A variant (rs45517289) is reported in the literature in individuals affected with tuberous sclerosis complex (TSC) (Ogorek 2020, Ludwig 2020, Fujita 2016). This variant is reported in ClinVar (Variation ID: 50057) and is absent from the Genome Aggregation Database, indicating it is not a common polymorphism. This variant disrupts the canonical splice donor site of intron 28, which is likely to negatively impact gene function. Additionally, a different variant at this splice donor site (c.3284+1G>C) has been reported in individuals affected with TSC. Based on available information, this variant is considered to be pathogenic. References: Fujita A et al. Detection of low-prevalence somatic TSC2 mutations in sporadic pulmonary lymphangioleiomyomatosis tissues by deep sequencing. Hum Genet. 2016 Jan;135(1):61-8. PMID: 26563443. Ludwig K et al. mTORC1 Is Not Principally Involved in the Induction of Human Endotoxin Tolerance. Front Immunol. 2020 Aug 7;11:1515. PMID: 32849516. Ogorek B et al. TSC2 pathogenic variants are predictive of severe clinical manifestations in TSC infants: results of the EPISTOP study. Genet Med. 2020 Sep;22(9):1489-1497. PMID: 32461669.

Eurofins Ntd Llc (ga)
Classification: Pathogenic. Last evaluated: 2017-07-13. Review status: criteria provided, single submitter. Criteria: EGL Classification Definitions 2015. Collection method: clinical testing. Allele origin: germline. Observed: 1 variant allele, 1 heterozygote.

Tuberous sclerosis database (TSC2)
No classification provided. Condition: TSC. Review status: no classification provided. Criteria: Tuberous Sclerosis Database Assertion Criteria 2015. Collection method: curation. Allele origin: germline. Affected: yes. Not counted in ClinVar's aggregate classification.

Literature cited by the submitters: PubMed 16199547 (cited by Labcorp Genetics (formerly Invitae), Labcorp); PubMed 10205261 (cited by Labcorp Genetics (formerly Invitae), Labcorp); PubMed 17304050 (cited by Labcorp Genetics (formerly Invitae), Labcorp); PubMed 21811971 (cited by Labcorp Genetics (formerly Invitae), Labcorp); PubMed 22490766 (cited by Labcorp Genetics (formerly Invitae), Labcorp); PubMed 32461669 (cited by Labcorp Genetics (formerly Invitae), Labcorp).